The following is an entry in ClinVar:

ClinVar aggregate classification (germline): Pathogenic (1 of 4 stars; one submission).

Submission:

Labcorp Genetics (formerly Invitae), Labcorp
Classification: Pathogenic. Last evaluated: 2022-05-29. Review status: criteria provided, single submitter. Criteria: Invitae Variant Classification Sherloc (09022015). Collection method: clinical testing. Allele origin: germline.
Comment: For these reasons, this variant has been classified as Pathogenic. This variant has not been reported in the literature in individuals affected with MTTP-related conditions. This variant is not present in population databases (gnomAD no frequency). This sequence change creates a premature translational stop signal (p.Glu566*) in the MTTP gene. It is expected to result in an absent or disrupted protein product. Loss-of-function variants in MTTP are known to be pathogenic (PMID: 8533758, 9671739).

Literature cited by the submitters: PubMed 8533758; PubMed 9671739.

NM_001386140.1(MTTP):c.1696G>T (p.Glu566Ter)

Gene: MTTP (microsomal triglyceride transfer protein; plus strand). Cytogenetic location: 4q23.
Variant type: single nucleotide variant.
Coding change: c.1696G>T on transcript NM_001386140.1 (MANE Select); coding-DNA position 1696, G replaced by T.
Protein change: p.Glu566Ter; replaces glutamic acid 566 with a stop codon.
Molecular consequence: nonsense.
Genome position (GRCh38, 1-based): chr4:99,608,904, G>T. VCF-style: chr4-99608904-G-T. GRCh37 (hg19) VCF-style: chr4-100530061-G-T.
Other names: c.1696G>T, p.Glu566Ter (NM_000253.4); c.1447G>T, p.Glu483Ter (NM_001300785.2); short protein forms E483*, E566*.
Identifiers: ClinVar variation 2195657 (VCV002195657.4), dbSNP rs1486107465, ClinGen allele CA357513050.